The following is an entry in ClinVar:

ClinVar aggregate classification (germline): Uncertain significance (1 of 4 stars; one submission).

Submission:

Labcorp Genetics (formerly Invitae), Labcorp
Classification: Uncertain significance. Last evaluated: 2022-12-31. Review status: criteria provided, single submitter. Criteria: Invitae Variant Classification Sherloc (09022015). Collection method: clinical testing. Allele origin: germline.
Comment: In summary, the available evidence is currently insufficient to determine the role of this variant in disease. Therefore, it has been classified as a Variant of Uncertain Significance. Variants that disrupt the consensus splice site are a relatively common cause of aberrant splicing (PMID: 17576681, 9536098). Algorithms developed to predict the effect of sequence changes on RNA splicing suggest that this variant is not likely to affect RNA splicing. This variant has not been reported in the literature in individuals affected with DIP2C-related conditions. This variant is not present in population databases (gnomAD no frequency). This sequence change falls in intron 13 of the DIP2C gene. It does not directly change the encoded amino acid sequence of the DIP2C protein. It affects a nucleotide within the consensus splice site.

Literature cited by the submitters: PubMed 17576681; PubMed 9536098.

NM_014974.3(DIP2C):c.1597+6G>C

Gene: DIP2C (DIP2 acetate--CoA ligase C (putative); minus strand). Cytogenetic location: 10p15.3.
Variant type: single nucleotide variant.
Coding change: c.1597+6G>C on transcript NM_014974.3 (MANE Select); 6 bases into the intron after coding-DNA position 1597, G replaced by C.
Molecular consequence: intron variant.
Genome position (GRCh38, 1-based): chr10:389,985, C>G on the plus strand (G>C on the coding strand, the complement: DIP2C is on the minus strand). VCF-style: chr10-389985-C-G. GRCh37 (hg19) VCF-style: chr10-435925-C-G.
Identifiers: ClinVar variation 2825212 (VCV002825212.3), dbSNP rs748760095, ClinGen allele CA2739265269.
Genomic context (GRCh38, chr10:389,985, plus strand): 5'-GTGGCCTTCGTGTCAGGTGTCCCGGTTAGAACCAGGGTCCCAAGGAGTCAGGGTCTGGCA[C>G]CCCACCTTCCGTGTAGCCACACGCCTGCGTCAGGGCCTGGCAGTGTGTCAGCAGCGCAGT-3'